The following is an entry in ClinVar:

ClinVar aggregate classification (germline): Uncertain significance (1 of 4 stars; one submission).

gnomAD v4.1: 20 of 1,534,510 alleles (0.0013%); highest among the groups gnomAD compares: East Asian, 0.0024%; no homozygotes.

Submission:

Labcorp Genetics (formerly Invitae), Labcorp
Classification: Uncertain significance. Last evaluated: 2025-12-08. Review status: criteria provided, single submitter. Criteria: Invitae Variant Classification Sherloc (09022015). Collection method: clinical testing. Allele origin: germline.
Comment: This sequence change falls in intron 9 of the FAM20C gene. It does not directly change the encoded amino acid sequence of the FAM20C protein. It affects a nucleotide within the consensus splice site. This variant is present in population databases (rs373089642, gnomAD 0.002%). This variant has not been reported in the literature in individuals affected with FAM20C-related conditions. Variants that disrupt the consensus splice site are a relatively common cause of aberrant splicing (PMID: 17576681, 9536098). Algorithms developed to predict the effect of sequence changes on RNA splicing suggest that this variant is not likely to affect RNA splicing. In summary, the available evidence is currently insufficient to determine the role of this variant in disease. Therefore, it has been classified as a Variant of Uncertain Significance.

Literature cited by the submitters: PubMed 17576681; PubMed 9536098.

NM_020223.4(FAM20C):c.1505+4C>T

Gene: FAM20C (FAM20C golgi associated secretory pathway kinase; plus strand). Cytogenetic location: 7p22.3.
Variant type: single nucleotide variant.
Coding change: c.1505+4C>T on transcript NM_020223.4 (MANE Select); 4 bases into the intron after coding-DNA position 1505, C replaced by T.
Molecular consequence: intron variant.
Genome position (GRCh38, 1-based): chr7:258,709, C>T. VCF-style: chr7-258709-C-T. GRCh37 (hg19) VCF-style: chr7-298675-C-T.
Identifiers: ClinVar variation 4749442 (VCV004749442.1).
Genomic context (GRCh38, chr7:258,709, plus strand): 5'-TGGGAAGTATTCGCACGACGAGCTCTCCATCCTGGTGCCGCTACAGCAGTGCTGCAGGTA[C>T]AGCCCCTGCCGGAGCCGGCTCCAGCTCCACCCTCCTCCCTACTGCGCAGGAGACAGAGGA-3'